The following is an entry in ClinVar:

NM_003334.4(UBA1):c.3161G>A (p.Arg1054Gln)

Gene: UBA1 (ubiquitin like modifier activating enzyme 1; plus strand). Cytogenetic location: Xp11.3.
Variant type: single nucleotide variant.
Coding change: c.3161G>A on transcript NM_003334.4 (MANE Select); coding-DNA position 3161, G replaced by A.
Protein change: p.Arg1054Gln; replaces arginine 1054 with glutamine.
Molecular consequence: missense variant.
Genome position (GRCh38, 1-based): chrX:47,214,913, G>A. VCF-style: chrX-47214913-G-A. GRCh37 (hg19) VCF-style: chrX-47074312-G-A.
Other names: c.3161G>A, p.Arg1054Gln (NM_153280.3); short protein forms R1054Q.
Identifiers: ClinVar variation 3898202 (VCV003898202.7).

ClinVar aggregate classification (germline): Likely benign (1 of 4 stars; one submission).

gnomAD v4.1: 4 of 1,210,774 alleles (0.00033%); highest among the groups gnomAD compares: South Asian, 0.0018%; no homozygotes.

Submission:

CeGaT Center for Human Genetics Tuebingen
Classification: Likely benign. Last evaluated: 2025-04-01. Review status: criteria provided, single submitter. Criteria: CeGaT Center For Human Genetics Tuebingen Variant Classification Criteria Version 2. Collection method: clinical testing. Allele origin: germline. Affected: yes. Observed: 1 variant allele.
Comment: UBA1: BS2